The following is an entry in ClinVar:

NM_000038.6(APC):c.6581T>C (p.Val2194Ala)

Gene: APC (APC regulator of Wnt signaling pathway; plus strand). Cytogenetic location: 5q22.2.
Variant type: single nucleotide variant.
Coding change: c.6581T>C on transcript NM_000038.6 (MANE Select); coding-DNA position 6581, T replaced by C.
Protein change: p.Val2194Ala; replaces valine 2194 with alanine.
Molecular consequence: missense variant.
Genome position (GRCh38, 1-based): chr5:112,842,175, T>C. VCF-style: chr5-112842175-T-C. GRCh37 (hg19) VCF-style: chr5-112177872-T-C.
Other names: c.6581T>C, p.Val2194Ala (NM_001127510.3, NM_001354895.2); c.6527T>C, p.Val2176Ala (NM_001127511.3); c.6635T>C, p.Val2212Ala (NM_001354896.2); c.6611T>C, p.Val2204Ala (NM_001354897.2); c.6506T>C, p.Val2169Ala (NM_001354898.2); c.6497T>C, p.Val2166Ala (NM_001354899.2); c.6458T>C, p.Val2153Ala (NM_001354900.2); c.6404T>C, p.Val2135Ala (NM_001354901.2); and 5 more; short protein forms V2194A, V2176A, V2068A, V2169A, V1911A, V2103A, V2166A, V2204A.
Identifiers: ClinVar variation 565658 (VCV000565658.14), dbSNP rs1561608498, ClinGen allele CA16035731.

ClinVar aggregate classification (germline): Uncertain significance. Review status: criteria provided, multiple submitters, no conflicts (2 of 4 stars). 3 submissions from 3 submitters: Uncertain significance (3). Last evaluated 2025-04-30.

Conditions:
Classic or attenuated familial adenomatous polyposis. Identifiers: MedGen CN372698, MONDO:0021057.
Familial adenomatous polyposis 1 (FAP1). Also called: FAMILIAL ADENOMATOUS POLYPOSIS 1, ATTENUATED; POLYPOSIS, ADENOMATOUS INTESTINAL. Identifiers: MedGen C2713442, MONDO:0021056, OMIM 175100. Disease mechanism: loss of function.
Hereditary cancer-predisposing syndrome. Also called: Hereditary neoplastic syndrome; Neoplastic Syndromes, Hereditary; Tumor predisposition; Hereditary Cancer Syndrome. Identifiers: Orphanet 140162, MedGen C0027672, MeSH D009386, MONDO:0015356.

Submissions (3):

Labcorp Genetics (formerly Invitae), Labcorp
Classification: Uncertain significance for Familial adenomatous polyposis 1. Last evaluated: 2025-04-30. Review status: criteria provided, single submitter. Criteria: Invitae Variant Classification Sherloc (09022015). Collection method: clinical testing. Allele origin: germline.
Comment: This sequence change replaces valine, which is neutral and non-polar, with alanine, which is neutral and non-polar, at codon 2194 of the APC protein (p.Val2194Ala). This variant is not present in population databases (gnomAD no frequency). This variant has not been reported in the literature in individuals affected with APC-related conditions. ClinVar contains an entry for this variant (Variation ID: 565658). Invitae Evidence Modeling of protein sequence and biophysical properties (such as structural, functional, and spatial information, amino acid conservation, physicochemical variation, residue mobility, and thermodynamic stability) indicates that this missense variant is not expected to disrupt APC protein function with a negative predictive value of 95%. In summary, the available evidence is currently insufficient to determine the role of this variant in disease. Therefore, it has been classified as a Variant of Uncertain Significance.

Ambry Genetics
Classification: Uncertain significance for Hereditary cancer-predisposing syndrome. Last evaluated: 2024-11-08. Review status: criteria provided, single submitter. Criteria: Ambry Variant Classification Scheme 2023. Collection method: clinical testing. Allele origin: germline.
Comment: The p.V2194A variant (also known as c.6581T>C), located in coding exon 15 of the APC gene, results from a T to C substitution at nucleotide position 6581. The valine at codon 2194 is replaced by alanine, an amino acid with similar properties. This amino acid position is well conserved in available vertebrate species. In addition, in silico predictors for this gene do not accurately predict pathogenicity. Missense alterations in APC are not a common cause of disease (Spier I et al. Genet Med. 2024 Feb;26(2):100992). Based on the available evidence, the clinical significance of this variant remains unclear.

All of Us Research Program, National Institutes of Health
Classification: Uncertain significance for Classic or attenuated familial adenomatous polyposis. Last evaluated: 2024-05-17. Review status: criteria provided, single submitter. Criteria: ACMG Guidelines, 2015. Collection method: clinical testing. Allele origin: germline. Inheritance: Autosomal dominant inheritance. Observed: 1 variant allele, 1 heterozygote.
Comment: This study involves interpretation of variants in research participants for the purpose of population health screening. Participant phenotype was not available at the time of variant classification. Additional details can be found in publication PMID: 35346344, PMCID: PMC8962531